The following is an entry in ClinVar:

ClinVar aggregate classification (germline): Pathogenic (1 of 4 stars; one submission).

Conditions:
Glycogen storage disease, type V (GSD5). Also called: MCARDLE DISEASE; MUSCLE GLYCOGEN PHOSPHORYLASE DEFICIENCY; MYOPHOSPHORYLASE DEFICIENCY; PYGM DEFICIENCY; McArdle type glycogen storage disease. Identifiers: Orphanet 368, MedGen C0017924, MONDO:0009293, OMIM 232600.

Submission:

Myriad Genetics, Inc.
Classification: Pathogenic for Glycogen storage disease, type V. Last evaluated: 2024-05-14. Review status: criteria provided, single submitter. Criteria: Myriad Autosomal Dominant, Autosomal Recessive and X-Linked Classification Criteria (2023). Collection method: clinical testing. Allele origin: unknown.
Comment: NM_005609.2(PYGM):c.895del1ins9(F299Kfs*55) is expected to be pathogenic in the context of glycogen storage disease, PYGM-related. This variant is predicted to lead to an abnormal or absent protein product due to the creation of a premature termination codon in PYGM, a gene where loss-of-function variants are known to be pathogenic. Please note: this variant was assessed in the context of healthy population screening.

NM_005609.4(PYGM):c.895delinsAAGAGACAG (p.Phe299fs)

Gene: PYGM (glycogen phosphorylase, muscle associated; minus strand). Cytogenetic location: 11q13.1.
Variant type: Indel.
Coding change: c.895delinsAAGAGACAG on transcript NM_005609.4 (MANE Select); coding-DNA position 895, T replaced by AAGAGACAG.
Protein change: p.Phe299fs; shifts the reading frame from phenylalanine 299.
Molecular consequence: frameshift variant.
Genome position (GRCh38, 1-based): chr11:64,754,797, A replaced by CTGTCTCTT on the plus strand (T replaced by AAGAGACAG on the coding strand, the reverse complement: PYGM is on the minus strand). VCF-style: chr11-64754797-A-CTGTCTCTT. GRCh37 (hg19) VCF-style: chr11-64522269-A-CTGTCTCTT.
Other names: c.631delinsAAGAGACAG, p.Phe211fs (NM_001164716.1); short protein forms F211fs, F299fs.
Identifiers: ClinVar variation 5010825 (VCV005010825.1).
Genomic context (GRCh38, chr11:64,754,797, plus strand): 5'-AGCCGAACTTGGAAGACTTGAAGCGACGGATGATGTCCTGGAGGGTGGCAGCCACCACGA[A>CTGTCTCTT]ATACTCCTGCTTCAGCCGCAGCTCCTTCCCTTCGAAGAACTGGGGACAGCATGAGGCAGC-3'